The following is an entry in ClinVar:

ClinVar aggregate classification (germline): Pathogenic/Likely pathogenic. Review status: criteria provided, multiple submitters, no conflicts (2 of 4 stars). 4 submissions from 4 submitters: Pathogenic (1); Likely pathogenic (3). Last evaluated 2024-06-11.

Conditions:
SLC39A4-related disorder. Also called: SLC39A4-related condition.
Hereditary acrodermatitis enteropathica (AEZ). Also called: Acrodermatitis enteropathica. Identifiers: Orphanet 37, MedGen C0221036, MONDO:0008713, OMIM 201100.

Allele frequency attached by ClinVar (database versions not stated): TOPMed below 0.00001.

Submissions (4):

Fulgent Genetics
Classification: Likely pathogenic for Hereditary acrodermatitis enteropathica. Last evaluated: 2024-06-11. Review status: criteria provided, single submitter. Criteria: ACMG Guidelines, 2015. Collection method: clinical testing. Allele origin: germline.

Labcorp Genetics (formerly Invitae), Labcorp
Classification: Pathogenic. Last evaluated: 2023-02-26. Review status: criteria provided, single submitter. Criteria: Invitae Variant Classification Sherloc (09022015). Collection method: clinical testing. Allele origin: germline.
Comment: This variant has not been reported in the literature in individuals affected with SLC39A4-related conditions. This variant is not present in population databases (gnomAD no frequency). This sequence change creates a premature translational stop signal (p.Gln165*) in the SLC39A4 gene. It is expected to result in an absent or disrupted protein product. Loss-of-function variants in SLC39A4 are known to be pathogenic (PMID: 12955721). For these reasons, this variant has been classified as Pathogenic. ClinVar contains an entry for this variant (Variation ID: 390605).

Blueprint Genetics
Classification: Likely pathogenic for SLC39A4-related disorders. Last evaluated: 2018-12-11. Review status: criteria provided, single submitter. Criteria: ACMG Guidelines, 2015. Collection method: clinical testing. Allele origin: germline. Affected: yes. Observed: 1 variant allele.

GeneDx
Classification: Likely pathogenic. Last evaluated: 2018-09-11. Review status: criteria provided, single submitter. Criteria: GeneDx Variant Classification (06012015). Collection method: clinical testing. Allele origin: germline. Affected: yes.
Comment: The Q165X variant in the SLC39A4 gene has not been reported previously as a pathogenic variant nor as a benign variant, to our knowledge. This variant is predicted to cause loss of normal protein function either through protein truncation or nonsense-mediated mRNA decay. The Q165X variant was not observed in approximately 6500 individuals of European and African American ancestry in the NHLBI Exome Sequencing Project, indicating it is not a common benign variant in these populations. We interpret Q165X as a likely pathogenic variant.

Literature cited by the submitters: PubMed 12955721 (cited by Labcorp Genetics (formerly Invitae), Labcorp).

NM_130849.4(SLC39A4):c.493C>T (p.Gln165Ter)

Gene: SLC39A4 (solute carrier family 39 member 4; minus strand). Cytogenetic location: 8q24.3.
Variant type: single nucleotide variant.
Coding change: c.493C>T on transcript NM_130849.4 (MANE Select); coding-DNA position 493, C replaced by T.
Protein change: p.Gln165Ter; replaces glutamine 165 with a stop codon.
Molecular consequence: nonsense.
Genome position (GRCh38, 1-based): chr8:144,415,401, G>A on the plus strand (C>T on the coding strand, the complement: SLC39A4 is on the minus strand). VCF-style: chr8-144415401-G-A. GRCh37 (hg19) VCF-style: chr8-145640785-G-A.
Other names: c.418C>T, p.Gln140Ter (NM_017767.3); short protein forms Q165*, Q140*.
Identifiers: ClinVar variation 390605 (VCV000390605.7), dbSNP rs1057523837, ClinGen allele CA16606031.